The following is an entry in ClinVar:

NM_012472.6(DNAAF11):c.802A>T (p.Met268Leu)

Gene: DNAAF11 (dynein axonemal assembly factor 11; minus strand). Cytogenetic location: 8q24.22.
Variant type: single nucleotide variant.
Coding change: c.802A>T on transcript NM_012472.6 (MANE Select); coding-DNA position 802, A replaced by T.
Protein change: p.Met268Leu; replaces methionine 268 with leucine.
Molecular consequence: missense variant. On other transcripts: non-coding transcript variant (10).
Genome position (GRCh38, 1-based): chr8:132,625,306, T>A on the plus strand (A>T on the coding strand, the complement: DNAAF11 is on the minus strand). VCF-style: chr8-132625306-T-A. GRCh37 (hg19) VCF-style: chr8-133637552-T-A.
Other names: c.802A>T, p.Met268Leu (NM_001321961.2); c.556A>T, p.Met186Leu (NM_001321962.2); c.442A>T, p.Met148Leu (NM_001321963.2, NM_001321964.2, NM_001321965.2 and 1 more transcripts); short protein forms M186L, M148L, M268L.
Identifiers: ClinVar variation 653541 (VCV000653541.1), dbSNP rs1483225382, ClinGen allele CA372294574.
Genomic context (GRCh38, chr8:132,625,306, plus strand): 5'-CCCTCTCCTAGGAAAGAATGAAATACCTTAATTTTTCCTGTTTCTTCCGTTGTTTTTCCA[T>A]GTGTCTAAGAGTTTCCAATCTTGATTCAGGAGTAAACAAACAGGGCTTATTCCAGAATTC-3'
Protein context (NP_036604.2, residues 258-278): PESRLETLRH[Met268Leu]EKQRKKQEKL

ClinVar aggregate classification (germline): Uncertain significance (1 of 4 stars; one submission).

Conditions:
Primary ciliary dyskinesia 19. Also called: CILIARY DYSKINESIA, PRIMARY, 19, WITH OR WITHOUT SITUS INVERSUS. Identifiers: Orphanet 244, MedGen C3543826, MONDO:0013979, OMIM 614935.

Allele frequency attached by ClinVar (database versions not stated): TOPMed below 0.00001.
gnomAD v4.1: 8 of 1,605,376 alleles (0.0005%); highest among the groups gnomAD compares: Non-Finnish European, 0.00068%; no homozygotes.

Submission:

Labcorp Genetics (formerly Invitae), Labcorp
Classification: Uncertain significance for Ciliary dyskinesia, primary, 19. Last evaluated: 2018-11-01. Review status: criteria provided, single submitter. Criteria: Invitae Variant Classification Sherloc (09022015). Collection method: clinical testing. Allele origin: germline.
Comment: This sequence change replaces methionine with leucine at codon 268 of the LRRC6 protein (p.Met268Leu). The methionine residue is moderately conserved and there is a small physicochemical difference between methionine and leucine. This variant is not present in population databases (ExAC no frequency). This variant has not been reported in the literature in individuals with LRRC6-related disease. Algorithms developed to predict the effect of missense changes on protein structure and function output the following: SIFT: "Tolerated"; PolyPhen-2: "Benign"; Align-GVGD: "Class C0". The leucine amino acid residue is found in multiple mammalian species, suggesting that this missense change does not adversely affect protein function. These predictions have not been confirmed by published functional studies and their clinical significance is uncertain. In summary, the available evidence is currently insufficient to determine the role of this variant in disease. Therefore, it has been classified as a Variant of Uncertain Significance.